The following is an entry in ClinVar:

NM_133171.5(ELMO2):c.1404G>T (p.Glu468Asp)

Gene: ELMO2 (engulfment and cell motility 2; minus strand). Cytogenetic location: 20q13.12.
Variant type: single nucleotide variant.
Coding change: c.1404G>T on transcript NM_133171.5 (MANE Select); coding-DNA position 1404, G replaced by T.
Protein change: p.Glu468Asp; replaces glutamic acid 468 with aspartic acid.
Molecular consequence: missense variant.
Genome position (GRCh38, 1-based): chr20:46,373,411, C>A on the plus strand (G>T on the coding strand, the complement: ELMO2 is on the minus strand). VCF-style: chr20-46373411-C-A. GRCh37 (hg19) VCF-style: chr20-45002050-C-A.
Other names: c.1140G>T, p.Glu380Asp (NM_001318253.2); c.1404G>T, p.Glu468Asp (NM_182764.3); short protein forms E468D, E380D.
Identifiers: ClinVar variation 3275172 (VCV003275172.2).

ClinVar aggregate classification (germline): Uncertain significance. Review status: criteria provided, multiple submitters, no conflicts (2 of 4 stars). 2 submissions from 2 submitters: Uncertain significance (2). Last evaluated 2025-12-21.

Conditions:
Inborn genetic diseases. Identifiers: MedGen C0950123, MeSH D030342.
Primary intraosseous venous malformation. Also called: HEMANGIOMA, INTRAOSSEOUS; Vascular malformation, primary intraosseous; VASCULAR MALFORMATION OSSEOUS. Identifiers: Orphanet 140436, MedGen C1847197, MONDO:0011744, OMIM 606893.

gnomAD v4.1: 1 of 1,614,202 alleles (0.000062%); highest among the groups gnomAD compares: South Asian, 0.0011%; no homozygotes.

Submissions (2):

Clinical Genomics Laboratory, Washington University in St. Louis
Classification: Uncertain significance for Primary intraosseous venous malformation. Last evaluated: 2025-12-21. Review status: criteria provided, single submitter. Criteria: ACMG Guidelines, 2015. Collection method: clinical testing. Allele origin: germline.
Comment: An ELMO2 c.1404G>T (p.Glu468Asp) variant was identified at a near-heterozygous allelic fraction of 45.4%, a frequency which may be consistent with it being of germline origin. This variant, to our knowledge, has not been reported in the medical literature. It has been reported in the ClinVar database as a germline variant of uncertain significance by one submitter (Variation ID: 3275172). It is only observed on 1/1,614,202 alleles in the general population (gnomAD v4.1.0), indicating it is not a common variant. Computational predictors suggest that the variant does not impact ELMO2 function. Due to limited information, and based on ACMG/AMP guidelines for variant interpretation (Richards S et al., PMID: 25741868), the clinical significance of this variant is uncertain at this time.

Ambry Genetics
Classification: Uncertain significance for Inborn genetic diseases. Last evaluated: 2024-03-31. Review status: criteria provided, single submitter. Criteria: Ambry Variant Classification Scheme 2023. Collection method: clinical testing. Allele origin: germline.